The following is an entry in ClinVar:

ClinVar aggregate classification (germline): Uncertain significance. Review status: criteria provided, multiple submitters, no conflicts (2 of 4 stars). 2 submissions from 2 submitters: Uncertain significance (2). Last evaluated 2026-01-02.

Allele frequency attached by ClinVar (database versions not stated): gnomAD 0.00001; gnomAD exomes 0.00002 and 0.00003; TOPMed 0.00002; ExAC 0.00008.

Submissions (2):

Labcorp Genetics (formerly Invitae), Labcorp
Classification: Uncertain significance. Last evaluated: 2026-01-02. Review status: criteria provided, single submitter. Criteria: Invitae Variant Classification Sherloc (09022015). Collection method: clinical testing. Allele origin: germline.
Comment: This sequence change replaces aspartic acid, which is acidic and polar, with asparagine, which is neutral and polar, at codon 259 of the CA4 protein (p.Asp259Asn). This variant is present in population databases (rs780678842, gnomAD 0.006%). This variant has not been reported in the literature in individuals affected with CA4-related conditions. ClinVar contains an entry for this variant (Variation ID: 938516). An algorithm developed to predict the effect of missense changes on protein structure and function outputs the following: PolyPhen-2: "Benign". The asparagine amino acid residue is found in multiple mammalian species, which suggests that this missense change does not adversely affect protein function. In summary, the available evidence is currently insufficient to determine the role of this variant in disease. Therefore, it has been classified as a Variant of Uncertain Significance.

Ambry Genetics
Classification: Uncertain significance. Last evaluated: 2024-01-03. Review status: criteria provided, single submitter. Criteria: Ambry Variant Classification Scheme 2023. Collection method: clinical testing. Allele origin: germline.

NM_000717.5(CA4):c.775G>A (p.Asp259Asn)

Gene: CA4 (carbonic anhydrase 4; plus strand). Cytogenetic location: 17q23.1.
Variant type: single nucleotide variant.
Coding change: c.775G>A on transcript NM_000717.5 (MANE Select); coding-DNA position 775, G replaced by A.
Protein change: p.Asp259Asn; replaces aspartic acid 259 with asparagine.
Molecular consequence: missense variant. On other transcripts: non-coding transcript variant (1).
Genome position (GRCh38, 1-based): chr17:60,159,260, G>A. VCF-style: chr17-60159260-G-A. GRCh37 (hg19) VCF-style: chr17-58236621-G-A.
Other names: c.775G>A (NM_000717.3); short protein forms D259N.
Identifiers: ClinVar variation 938516 (VCV000938516.10), dbSNP rs780678842, ClinGen allele CA8685535.